The following is an entry in ClinVar:

ClinVar aggregate classification (germline): Uncertain significance (1 of 4 stars; one submission).

Conditions:
DICER1-related tumor predisposition. Also called: DICER1 syndrome; DICER1-related pleuropulmonary blastoma cancer predisposition syndrome. Identifiers: Orphanet 284343, MedGen C3839822, MONDO:0100216.

Submission:

Labcorp Genetics (formerly Invitae), Labcorp
Classification: Uncertain significance for DICER1-related tumor predisposition. Last evaluated: 2020-02-13. Review status: criteria provided, single submitter. Criteria: Invitae Variant Classification Sherloc (09022015). Collection method: clinical testing. Allele origin: germline.
Comment: In summary, the available evidence is currently insufficient to determine the role of this variant in disease. Therefore, it has been classified as a Variant of Uncertain Significance. Experimental studies and prediction algorithms are not available or were not evaluated, and the functional significance of this variant is currently unknown. This variant has not been reported in the literature in individuals with DICER1-related conditions. This variant is not present in population databases (ExAC no frequency). This variant, c.4845_4847del, results in the deletion of 1 amino acid(s) of the DICER1 protein (p.Lys1615del), but otherwise preserves the integrity of the reading frame.

NM_177438.3(DICER1):c.4845_4847del (p.Lys1615del)

Gene: DICER1 (dicer 1, ribonuclease III; minus strand). Cytogenetic location: 14q32.13.
Variant type: Deletion.
Coding change: c.4845_4847del on transcript NM_177438.3 (MANE Select); coding-DNA positions 4845 to 4847, 3 bases deleted (GAA; older notation c.4845_4847delGAA).
Protein change: p.Lys1615del; deletes lysine 1615.
Molecular consequence: inframe deletion.
Genome position (GRCh38, 1-based): chr14:95,096,073-95,096,075, TTC deleted on the plus strand (GAA on the coding strand, the reverse complement: DICER1 is on the minus strand); deleting any 3 consecutive bases within chr14:95,096,073-95,096,077 gives the same sequence; the c. name uses the placement nearest the transcript's 3' end. VCF-style (leftmost placement, unchanged base first): chr14-95096072-GTTC-G. GRCh37 (hg19) VCF-style: chr14-95562409-GTTC-G.
Other names: c.4845_4847del, p.Lys1615del (NM_001195573.1, NM_001271282.3, NM_001291628.2 and 1 more transcripts); short protein forms K1615del.
Identifiers: ClinVar variation 998771 (VCV000998771.10), dbSNP rs1890294838, ClinGen allele CA2156302168.